The following is an entry in ClinVar:

ClinVar aggregate classification (germline): Uncertain significance (1 of 4 stars; one submission).

Conditions:
Hereditary cancer-predisposing syndrome. Also called: Hereditary Cancer Syndrome; Neoplastic Syndromes, Hereditary; Tumor predisposition; Hereditary neoplastic syndrome. Identifiers: Orphanet 140162, MedGen C0027672, MeSH D009386, MONDO:0015356.

Submission:

Ambry Genetics
Classification: Uncertain significance for Hereditary cancer-predisposing syndrome. Last evaluated: 2026-06-28. Review status: criteria provided, single submitter. Criteria: Ambry Variant Classification Scheme 2023. Collection method: clinical testing. Allele origin: germline.
Comment: The p.S248C variant (also known as c.743C>G), located in coding exon 6 of the DICER1 gene, results from a C to G substitution at nucleotide position 743. The serine at codon 248 is replaced by cysteine, an amino acid with dissimilar properties. This amino acid position is conserved. In addition, the in silico prediction for this alteration is inconclusive. Based on the available evidence, the clinical significance of this variant remains unclear.

NM_177438.3(DICER1):c.743C>G (p.Ser248Cys)

Gene: DICER1 (dicer 1, ribonuclease III; minus strand). Cytogenetic location: 14q32.13.
Variant type: single nucleotide variant.
Coding change: c.743C>G on transcript NM_177438.3 (MANE Select); coding-DNA position 743, C replaced by G.
Protein change: p.Ser248Cys; replaces serine 248 with cysteine.
Molecular consequence: missense variant. On other transcripts: 5 prime UTR variant (1), non-coding transcript variant (6).
Genome position (GRCh38, 1-based): chr14:95,126,740, G>C on the plus strand (C>G on the coding strand, the complement: DICER1 is on the minus strand). VCF-style: chr14-95126740-G-C. GRCh37 (hg19) VCF-style: chr14-95593077-G-C.
Other names: c.743C>G, p.Ser248Cys (NM_001195573.1, NM_001271282.3, NM_001291628.2 and 14 more transcripts); c.338C>G, p.Ser113Cys (NM_001395696.1, NM_001395698.1, NM_001395687.1 and 3 more transcripts); c.-826C>G (NM_001395697.1); c.461C>G, p.Ser154Cys (NM_001395686.1); c.176C>G, p.Ser59Cys (NM_001395691.1); short protein forms S248C, S59C, S113C, S154C.
Identifiers: ClinVar variation 5035237 (VCV005035237.1).